The following is an entry in ClinVar:

NM_000038.6(APC):c.8210A>C (p.Glu2737Ala)

Gene: APC (APC regulator of Wnt signaling pathway; plus strand). Cytogenetic location: 5q22.2.
Variant type: single nucleotide variant.
Coding change: c.8210A>C on transcript NM_000038.6 (MANE Select); coding-DNA position 8210, A replaced by C.
Protein change: p.Glu2737Ala; replaces glutamic acid 2737 with alanine.
Molecular consequence: missense variant.
Genome position (GRCh38, 1-based): chr5:112,843,804, A>C. VCF-style: chr5-112843804-A-C. GRCh37 (hg19) VCF-style: chr5-112179501-A-C.
Other names: c.8210A>C, p.Glu2737Ala (NM_001127510.3, NM_001354895.2, NM_001407450.1); c.8156A>C, p.Glu2719Ala (NM_001127511.3); c.8264A>C, p.Glu2755Ala (NM_001354896.2, NM_001407447.1, NM_001407448.1 and 1 more transcripts); c.8240A>C, p.Glu2747Ala (NM_001354897.2); c.8135A>C, p.Glu2712Ala (NM_001354898.2); c.8126A>C, p.Glu2709Ala (NM_001354899.2); c.8087A>C, p.Glu2696Ala (NM_001354900.2); c.8033A>C, p.Glu2678Ala (NM_001354901.2, NM_001407453.1); and 11 more; short protein forms E2353A, E2454A, E2577A, E2608A, E2611A, E2636A, E2646A, E2654A.
Identifiers: ClinVar variation 1718815 (VCV001718815.8), dbSNP rs2150001060, ClinGen allele CA16039153.

ClinVar aggregate classification (germline): Uncertain significance. Review status: criteria provided, multiple submitters, no conflicts (2 of 4 stars). 2 submissions from 2 submitters: Uncertain significance (2). Last evaluated 2022-09-04.

Conditions:
Hereditary cancer-predisposing syndrome. Also called: Hereditary neoplastic syndrome; Neoplastic Syndromes, Hereditary; Hereditary Cancer Syndrome; Tumor predisposition. Identifiers: Orphanet 140162, MedGen C0027672, MeSH D009386, MONDO:0015356.
Familial adenomatous polyposis 1 (FAP1). Also called: FAMILIAL ADENOMATOUS POLYPOSIS 1, ATTENUATED; POLYPOSIS, ADENOMATOUS INTESTINAL. Identifiers: MedGen C2713442, MONDO:0021056, OMIM 175100. Disease mechanism: loss of function.

Allele frequency attached by ClinVar (database versions not stated): gnomAD exomes below 0.00001.
gnomAD v4.1: 1 of 1,614,132 alleles (0.000062%); highest among the groups gnomAD compares: Admixed American, 0.0017%; no homozygotes.

Submissions (2):

Labcorp Genetics (formerly Invitae), Labcorp
Classification: Uncertain significance for Familial adenomatous polyposis 1. Last evaluated: 2022-09-04. Review status: criteria provided, single submitter. Criteria: Invitae Variant Classification Sherloc (09022015). Collection method: clinical testing. Allele origin: germline.
Comment: In summary, the available evidence is currently insufficient to determine the role of this variant in disease. Therefore, it has been classified as a Variant of Uncertain Significance. Algorithms developed to predict the effect of missense changes on protein structure and function (SIFT, PolyPhen-2, Align-GVGD) all suggest that this variant is likely to be disruptive. This variant has not been reported in the literature in individuals affected with APC-related conditions. This variant is not present in population databases (gnomAD no frequency). This sequence change replaces glutamic acid, which is acidic and polar, with alanine, which is neutral and non-polar, at codon 2737 of the APC protein (p.Glu2737Ala).

Ambry Genetics
Classification: Uncertain significance for Hereditary cancer-predisposing syndrome. Last evaluated: 2020-11-02. Review status: criteria provided, single submitter. Criteria: Ambry Variant Classification Scheme 2023. Collection method: clinical testing. Allele origin: germline.
Comment: The p.E2737A variant (also known as c.8210A>C), located in coding exon 15 of the APC gene, results from an A to C substitution at nucleotide position 8210. The glutamic acid at codon 2737 is replaced by alanine, an amino acid with dissimilar properties. This amino acid position is well conserved in available vertebrate species. In addition, in silico predictors for this gene do not accurately predict pathogenicity. Since supporting evidence is limited at this time, the clinical significance of this alteration remains unclear.